The following is an entry in ClinVar:

ClinVar aggregate classification (germline): Uncertain significance (1 of 4 stars; one submission).

Submission:

Labcorp Genetics (formerly Invitae), Labcorp
Classification: Uncertain significance. Last evaluated: 2022-08-03. Review status: criteria provided, single submitter. Criteria: Invitae Variant Classification Sherloc (09022015). Collection method: clinical testing. Allele origin: germline.
Comment: This sequence change replaces aspartic acid, which is acidic and polar, with valine, which is neutral and non-polar, at codon 1705 of the CCDC88C protein (p.Asp1705Val). This variant is not present in population databases (gnomAD no frequency). This variant has not been reported in the literature in individuals affected with CCDC88C-related conditions. Algorithms developed to predict the effect of missense changes on protein structure and function are either unavailable or do not agree on the potential impact of this missense change (SIFT: "Deleterious"; PolyPhen-2: "Possibly Damaging"; Align-GVGD: "Class C0"). In summary, the available evidence is currently insufficient to determine the role of this variant in disease. Therefore, it has been classified as a Variant of Uncertain Significance.

NM_001080414.4(CCDC88C):c.5114A>T (p.Asp1705Val)

Gene: CCDC88C (coiled-coil domain containing 88C; minus strand). Cytogenetic location: 14q32.11.
Variant type: single nucleotide variant.
Coding change: c.5114A>T on transcript NM_001080414.4 (MANE Select); coding-DNA position 5114, A replaced by T.
Protein change: p.Asp1705Val; replaces aspartic acid 1705 with valine.
Molecular consequence: missense variant.
Genome position (GRCh38, 1-based): chr14:91,273,598, T>A on the plus strand (A>T on the coding strand, the complement: CCDC88C is on the minus strand). VCF-style: chr14-91273598-T-A. GRCh37 (hg19) VCF-style: chr14-91739942-T-A.
Other names: short protein forms D1705V.
Identifiers: ClinVar variation 1931479 (VCV001931479.2), dbSNP rs2544241639, ClinGen allele CA390610847.